The following is an entry in ClinVar:

ClinVar aggregate classification (germline): Uncertain significance (1 of 4 stars; one submission).

Conditions:
MHC class I deficiency. Identifiers: Orphanet 34592, MedGen C6024714, MONDO:0011476.

Allele frequency attached by ClinVar (database versions not stated): gnomAD exomes below 0.00001.

Submission:

Labcorp Genetics (formerly Invitae), Labcorp
Classification: Uncertain significance for MHC class I deficiency 1. Last evaluated: 2023-08-30. Review status: criteria provided, single submitter. Criteria: Invitae Variant Classification Sherloc (09022015). Collection method: clinical testing. Allele origin: germline.
Comment: In summary, the available evidence is currently insufficient to determine the role of this variant in disease. Therefore, it has been classified as a Variant of Uncertain Significance. This sequence change affects a donor splice site in intron 1 of the TAPBP gene. It is expected to disrupt RNA splicing. Variants that disrupt the donor or acceptor splice site typically lead to a loss of protein function (PMID: 16199547), however the current clinical and genetic evidence is not sufficient to establish whether loss-of-function variants in TAPBP cause disease. This variant is not present in population databases (gnomAD no frequency). This variant has not been reported in the literature in individuals affected with TAPBP-related conditions. Algorithms developed to predict the effect of sequence changes on RNA splicing suggest that this variant may disrupt the consensus splice site.

Literature cited by the submitters: PubMed 16199547.

NM_003190.5(TAPBP):c.37+1G>A

Gene: TAPBP (TAP binding protein; minus strand). Cytogenetic location: 6p21.32.
Variant type: single nucleotide variant.
Coding change: c.37+1G>A on transcript NM_003190.5 (MANE Select); the canonical splice donor site of the intron after coding-DNA position 37, G replaced by A.
Molecular consequence: splice donor variant.
Genome position (GRCh38, 1-based): chr6:33,314,004, C>T on the plus strand (G>A on the coding strand, the complement: TAPBP is on the minus strand). VCF-style: chr6-33314004-C-T. GRCh37 (hg19) VCF-style: chr6-33281781-C-T.
Other names: c.37+1G>A (NM_172209.3, NM_001410875.1, NM_172208.3).
Identifiers: ClinVar variation 2839992 (VCV002839992.3), dbSNP rs2536785927, ClinGen allele CA363623791.